The following is an entry in ClinVar:

NM_000455.5(STK11):c.617C>G (p.Ala206Gly)

Gene: STK11 (serine/threonine kinase 11; plus strand). Cytogenetic location: 19p13.3.
Variant type: single nucleotide variant.
Coding change: c.617C>G on transcript NM_000455.5 (MANE Select); coding-DNA position 617, C replaced by G.
Protein change: p.Ala206Gly; replaces alanine 206 with glycine.
Molecular consequence: missense variant.
Genome position (GRCh38, 1-based): chr19:1,220,600, C>G. VCF-style: chr19-1220600-C-G. GRCh37 (hg19) VCF-style: chr19-1220599-C-G.
Other names: short protein forms A206G.
Identifiers: ClinVar variation 527826 (VCV000527826.17), dbSNP rs764244639, ClinGen allele CA304026035.

ClinVar aggregate classification (germline): Uncertain significance. Review status: criteria provided, multiple submitters, no conflicts (2 of 4 stars). 4 submissions from 4 submitters: Uncertain significance (4). Last evaluated 2025-12-24.

Conditions:
Hereditary cancer-predisposing syndrome. Also called: Neoplastic Syndromes, Hereditary; Tumor predisposition; Hereditary neoplastic syndrome; Hereditary Cancer Syndrome. Identifiers: Orphanet 140162, MedGen C0027672, MeSH D009386, MONDO:0015356.
Peutz-Jeghers syndrome (PJS). Also called: POLYPOSIS, HAMARTOMATOUS INTESTINAL; POLYPS-AND-SPOTS SYNDROME; Peutz-Jeghers polyposis; Periorificial lentiginosis syndrome. Identifiers: Orphanet 2869, MedGen C0031269, MeSH D010580, MONDO:0008280, OMIM 175200.

Allele frequency attached by ClinVar (database versions not stated): TOPMed below 0.00001.

Submissions (4):

Labcorp Genetics (formerly Invitae), Labcorp
Classification: Uncertain significance for Peutz-Jeghers syndrome. Last evaluated: 2025-12-24. Review status: criteria provided, single submitter. Criteria: Invitae Variant Classification Sherloc (09022015). Collection method: clinical testing. Allele origin: germline.
Comment: This sequence change replaces alanine, which is neutral and non-polar, with glycine, which is neutral and non-polar, at codon 206 of the STK11 protein (p.Ala206Gly). This variant is not present in population databases (gnomAD no frequency). This variant has not been reported in the literature in individuals affected with STK11-related conditions. ClinVar contains an entry for this variant (Variation ID: 527826). Invitae Evidence Modeling of protein sequence and biophysical properties (such as structural, functional, and spatial information, amino acid conservation, physicochemical variation, residue mobility, and thermodynamic stability) indicates that this missense variant is not expected to disrupt STK11 protein function with a negative predictive value of 95%. In summary, the available evidence is currently insufficient to determine the role of this variant in disease. Therefore, it has been classified as a Variant of Uncertain Significance.

Ambry Genetics
Classification: Uncertain significance for Hereditary cancer-predisposing syndrome. Last evaluated: 2024-06-18. Review status: criteria provided, single submitter. Criteria: Ambry Variant Classification Scheme 2023. Collection method: clinical testing. Allele origin: germline.
Comment: The p.A206G variant (also known as c.617C>G), located in coding exon 5 of the STK11 gene, results from a C to G substitution at nucleotide position 617. The alanine at codon 206 is replaced by glycine, an amino acid with similar properties. This alteration was not observed in 7,051 unselected female breast cancer patients and was observed with an allele frequency of 0.00018 in 11,241 female controls of Japanese ancestry. In addition, it was not observed in 53 unselected male breast cancer patients and was observed with an allele frequency of 0.0001 in 12,490 male controls of Japanese ancestry (Momozawa Y et al. Nat Commun, 2018 10;9:4083). This amino acid position is poorly conserved in available vertebrate species. In addition, this alteration is predicted to be tolerated by in silico analysis. Since supporting evidence is limited at this time, the clinical significance of this alteration remains unclear.

Genome-Nilou Lab
Classification: Uncertain significance for Peutz-Jeghers syndrome. Last evaluated: 2021-07-15. Review status: criteria provided, single submitter. Criteria: ACMG Guidelines, 2015. Collection method: clinical testing. Allele origin: germline. Affected: no.

Color Diagnostics, LLC DBA Color Health
Classification: Uncertain significance for Hereditary cancer-predisposing syndrome. Last evaluated: 2019-03-06. Review status: criteria provided, single submitter. Criteria: ACMG Guidelines, 2015. Collection method: clinical testing. Allele origin: germline.

Literature cited by the submitters: PubMed 30287823 (cited by Ambry Genetics).